The following is an entry in ClinVar:

NM_000254.3(MTR):c.1969G>C (p.Gly657Arg)

Gene: MTR (5-methyltetrahydrofolate-homocysteine methyltransferase; plus strand). Cytogenetic location: 1q43.
Variant type: single nucleotide variant.
Coding change: c.1969G>C on transcript NM_000254.3 (MANE Select); coding-DNA position 1969, G replaced by C.
Protein change: p.Gly657Arg; replaces glycine 657 with arginine.
Molecular consequence: missense variant.
Genome position (GRCh38, 1-based): chr1:236,859,848, G>C. VCF-style: chr1-236859848-G-C. GRCh37 (hg19) VCF-style: chr1-237023148-G-C.
Other names: c.1969G>C, p.Gly657Arg (NM_001291939.1); c.748G>C, p.Gly250Arg (NM_001291940.2); short protein forms G250R, G657R.
Identifiers: ClinVar variation 1006250 (VCV001006250.8), dbSNP rs1664416870, ClinGen allele CA345376205.
Genomic context (GRCh38, chr1:236,859,848, plus strand): 5'-TTAGTGATGAGTTGTATCCATTTCTTGGTTTCAATTTCAATTCAGACTCAAGGCACAGGA[G>C]GGAAGAAAGTCATTCAGACTGATGAGTGGAGAAATGGCCCTGTCGAAGAACGCCTTGAGT-3'
Protein context (NP_000245.2, residues 647-667): LRYAQTQGTG[Gly657Arg]KKVIQTDEWR

ClinVar aggregate classification (germline): Uncertain significance (1 of 4 stars; one submission).

Conditions:
Methylcobalamin deficiency type cblG (HMAG). Also called: Functional methionine synthase deficiency type cblG; HOMOCYSTINURIA-MEGALOBLASTIC ANEMIA, cblG COMPLEMENTATION TYPE; HOMOCYSTINURIA-MEGALOBLASTIC ANEMIA, cblG TYPE; HOMOCYSTINURIA-MEGALOBLASTIC ANEMIA DUE TO DEFECT IN COBALAMIN METABOLISM, cblG COMPLEMENTATION TYPE. Identifiers: Orphanet 2170, Orphanet 622, MedGen C1855128, MONDO:0009609, OMIM 250940.

Submission:

Labcorp Genetics (formerly Invitae), Labcorp
Classification: Uncertain significance for Methylcobalamin deficiency type cblG. Last evaluated: 2023-05-08. Review status: criteria provided, single submitter. Criteria: Invitae Variant Classification Sherloc (09022015). Collection method: clinical testing. Allele origin: germline.
Comment: Advanced modeling of protein sequence and biophysical properties (such as structural, functional, and spatial information, amino acid conservation, physicochemical variation, residue mobility, and thermodynamic stability) performed at Invitae indicates that this missense variant is not expected to disrupt MTR protein function. ClinVar contains an entry for this variant (Variation ID: 1006250). This variant has not been reported in the literature in individuals affected with MTR-related conditions. This variant is not present in population databases (gnomAD no frequency). This sequence change replaces glycine, which is neutral and non-polar, with arginine, which is basic and polar, at codon 657 of the MTR protein (p.Gly657Arg). In summary, the available evidence is currently insufficient to determine the role of this variant in disease. Therefore, it has been classified as a Variant of Uncertain Significance.